The following is an entry in ClinVar:

NM_006766.5(KAT6A):c.5848C>A (p.Pro1950Thr)

Gene: KAT6A (lysine acetyltransferase 6A; minus strand). Cytogenetic location: 8p11.21.
Variant type: single nucleotide variant.
Coding change: c.5848C>A on transcript NM_006766.5 (MANE Select); coding-DNA position 5848, C replaced by A.
Protein change: p.Pro1950Thr; replaces proline 1950 with threonine.
Molecular consequence: missense variant.
Genome position (GRCh38, 1-based): chr8:41,932,372, G>T on the plus strand (C>A on the coding strand, the complement: KAT6A is on the minus strand). VCF-style: chr8-41932372-G-T. GRCh37 (hg19) VCF-style: chr8-41789890-G-T.
Other names: short protein forms P1950T.
Identifiers: ClinVar variation 3381685 (VCV003381685.1).

ClinVar aggregate classification (germline): Uncertain significance (1 of 4 stars; one submission).

Submission:

GeneDx
Classification: Uncertain significance. Last evaluated: 2024-05-23. Review status: criteria provided, single submitter. Criteria: GeneDx Variant Classification Process June 2021. Collection method: clinical testing. Allele origin: germline. Affected: yes.
Comment: Not observed at significant frequency in large population cohorts (gnomAD); In silico analysis supports that this missense variant has a deleterious effect on protein structure/function; Has not been previously published as pathogenic or benign to our knowledge